The following is an entry in ClinVar:

NM_020964.3(EPG5):c.5544del (p.Glu1849fs)

Gene: EPG5 (ectopic P-granules 5 autophagy tethering factor; minus strand). Cytogenetic location: 18q12.3.
Variant type: Deletion.
Coding change: c.5544del on transcript NM_020964.3 (MANE Select); coding-DNA position 5544, one base deleted (C; older notation c.5544delC).
Protein change: p.Glu1849fs; shifts the reading frame from glutamic acid 1849.
Molecular consequence: frameshift variant.
Genome position (GRCh38, 1-based): chr18:45,880,198, G deleted on the plus strand (C on the coding strand, the reverse complement: EPG5 is on the minus strand); the first of 4 consecutive G bases (chr18:45,880,198-45,880,201); deleting any one gives the same sequence. VCF-style (leftmost placement, unchanged base first): chr18-45880197-CG-C. GRCh37 (hg19) VCF-style: chr18-43460162-CG-C.
Other names: c.5544del, p.Glu1849fs (NM_001410858.1, NM_001410859.1); short protein forms E1849fs.
Identifiers: ClinVar variation 2705864 (VCV002705864.3), dbSNP rs2511577837, ClinGen allele CA2641627106.

ClinVar aggregate classification (germline): Pathogenic (1 of 4 stars; one submission).

Conditions:
Vici syndrome (VICIS). Identifiers: Orphanet 1493, MedGen C1855772, MONDO:0009452, OMIM 242840.

Submission:

Labcorp Genetics (formerly Invitae), Labcorp
Classification: Pathogenic for Vici syndrome. Last evaluated: 2024-01-03. Review status: criteria provided, single submitter. Criteria: Invitae Variant Classification Sherloc (09022015). Collection method: clinical testing. Allele origin: germline.
Comment: This sequence change creates a premature translational stop signal (p.Glu1849Serfs*7) in the EPG5 gene. It is expected to result in an absent or disrupted protein product. Loss-of-function variants in EPG5 are known to be pathogenic (PMID: 23222957, 23674064). This variant is not present in population databases (gnomAD no frequency). This variant has not been reported in the literature in individuals affected with EPG5-related conditions. For these reasons, this variant has been classified as Pathogenic.

Literature cited by the submitters: PubMed 23222957; PubMed 23674064.